The following is an entry in ClinVar:

NM_020975.6(RET):c.2845G>A (p.Gly949Arg)

Gene: RET (ret proto-oncogene; plus strand). Cytogenetic location: 10q11.21.
Variant type: single nucleotide variant.
Coding change: c.2845G>A on transcript NM_020975.6 (MANE Select); coding-DNA position 2845, G replaced by A.
Protein change: p.Gly949Arg; replaces glycine 949 with arginine.
Molecular consequence: missense variant.
Genome position (GRCh38, 1-based): chr10:43,123,714, G>A. VCF-style: chr10-43123714-G-A. GRCh37 (hg19) VCF-style: chr10-43619162-G-A.
Other names: c.1396G>A, p.Gly466Arg (NM_001406793.1, NM_001406794.1, NM_001406792.1); c.2845G>A, p.Gly949Arg (NM_020630.7, NM_001406743.1, NM_001406744.1 and 2 more transcripts); c.2083G>A, p.Gly695Arg (NM_001355216.2); c.2716G>A, p.Gly906Arg (NM_001406761.1, NM_001406762.1, NM_001406764.1); c.2710G>A, p.Gly904Arg (NM_001406763.1, NM_001406765.1); c.2557G>A, p.Gly853Arg (NM_001406766.1, NM_001406767.1, NM_001406770.1); c.2581G>A, p.Gly861Arg (NM_001406768.1); c.2449G>A, p.Gly817Arg (NM_001406769.1, NM_001406772.1); and 10 more; short protein forms G466R, G514R, G554R, G605R, G607R, G610R, G619R, G650R.
Identifiers: ClinVar variation 3369388 (VCV003369388.1).

ClinVar aggregate classification (germline): Uncertain significance (1 of 4 stars; one submission).

Submission:

GeneDx
Classification: Uncertain significance. Last evaluated: 2024-02-20. Review status: criteria provided, single submitter. Criteria: GeneDx Variant Classification Process June 2021. Collection method: clinical testing. Allele origin: germline. Affected: yes.
Comment: Not observed at significant frequency in large population cohorts (gnomAD); In silico analysis supports that this missense variant has a deleterious effect on protein structure/function; Has not been previously published as pathogenic or benign to our knowledge; This variant is associated with the following publications: (PMID: 14633923, 29908090)